The following is an entry in ClinVar:

NM_024675.4(PALB2):c.2066C>T (p.Ser689Leu)

Gene: PALB2 (partner and localizer of BRCA2; minus strand). Cytogenetic location: 16p12.2.
Variant type: single nucleotide variant.
Coding change: c.2066C>T on transcript NM_024675.4 (MANE Select); coding-DNA position 2066, C replaced by T.
Protein change: p.Ser689Leu; replaces serine 689 with leucine.
Molecular consequence: missense variant.
Genome position (GRCh38, 1-based): chr16:23,630,088, G>A on the plus strand (C>T on the coding strand, the complement: PALB2 is on the minus strand). VCF-style: chr16-23630088-G-A. GRCh37 (hg19) VCF-style: chr16-23641409-G-A.
Other names: short protein forms S689L.
Identifiers: ClinVar variation 241537 (VCV000241537.23), dbSNP rs749602688, ClinGen allele CA7963627.

ClinVar aggregate classification (germline): Conflicting classifications of pathogenicity. Review status: criteria provided, conflicting classifications (1 of 4 stars). 6 submissions from 6 submitters: Uncertain significance (2); Likely benign (2). 2 of the submissions do not count toward it. Last evaluated 2025-12-17.

Conditions:
PALB2-related disorder. Also called: PALB2-related condition; PALB2-related disorders.
Hereditary cancer-predisposing syndrome. Also called: Tumor predisposition; Neoplastic Syndromes, Hereditary; Hereditary Cancer Syndrome; Hereditary neoplastic syndrome. Identifiers: Orphanet 140162, MedGen C0027672, MeSH D009386, MONDO:0015356.
Familial cancer of breast. Also called: Hereditary breast cancer; BREAST CANCER, FAMILIAL; hereditary breast carcinoma. Identifiers: Orphanet 227535, MedGen C0346153, MONDO:0016419, OMIM 114480. Disease mechanism: loss of function.

Allele frequency attached by ClinVar (database versions not stated): gnomAD exomes below 0.00001; ExAC 0.00001; TOPMed 0.00001.
gnomAD v4.1: 6 of 1,614,134 alleles (0.00037%); highest among the groups gnomAD compares: African/African-American, 0.0013%; no homozygotes.

Submissions (6):

Labcorp Genetics (formerly Invitae), Labcorp
Classification: Uncertain significance for Familial cancer of breast. Last evaluated: 2025-12-17. Review status: criteria provided, single submitter. Criteria: Invitae Variant Classification Sherloc (09022015). Collection method: clinical testing. Allele origin: germline.
Comment: This sequence change replaces serine, which is neutral and polar, with leucine, which is neutral and non-polar, at codon 689 of the PALB2 protein (p.Ser689Leu). This variant is present in population databases (rs749602688, gnomAD 0.0009%). This missense change has been observed in individual(s) with breast cancer (PMID: 26110843, 30287823, 33646313). ClinVar contains an entry for this variant (Variation ID: 241537). Invitae Evidence Modeling of protein sequence and biophysical properties (such as structural, functional, and spatial information, amino acid conservation, physicochemical variation, residue mobility, and thermodynamic stability) indicates that this missense variant is not expected to disrupt PALB2 protein function with a negative predictive value of 80%. In summary, the available evidence is currently insufficient to determine the role of this variant in disease. Therefore, it has been classified as a Variant of Uncertain Significance.

Color Diagnostics, LLC DBA Color Health
Classification: Uncertain significance for Hereditary cancer-predisposing syndrome. Last evaluated: 2024-04-16. Review status: criteria provided, single submitter. Criteria: ACMG Guidelines, 2015. Collection method: clinical testing. Allele origin: germline.
Comment: This missense variant replaces serine with leucine at codon 689 of the PALB2 protein. Computational prediction suggests that this variant may not impact protein structure and function. To our knowledge, functional studies have not been reported for this variant. This variant has been reported in one individual each affected with breast cancer (PMID: 33646313) or breast and/or ovarian cancer (PMID: 34299313). In breast cancer case-control studies, this variant has been reported in 1/7051 female cases and in 1/11241 unaffected individuals (PMID: 30287823) and in a breast cancer case-control meta-analysis in 0/60466 cases and 2/53461 unaffected individuals (PMID: 33471991; Leiden Open Variation Database DB-ID PALB2_010450). This variant also has been reported in a homozygous carrier who lacked clinical features of Fanconi anemia (SCV004020131.1). This variant has been identified in 1/251460 chromosomes in the general population by the Genome Aggregation Database (gnomAD). The available evidence is insufficient to determine the role of this variant in disease conclusively. Therefore, this variant is classified as a Variant of Uncertain Significance.

Myriad Genetics, Inc.
Classification: Likely benign for Familial cancer of breast. Last evaluated: 2023-03-08. Review status: criteria provided, single submitter. Criteria: Myriad Autosomal Dominant, Autosomal Recessive and X-Linked Classification Criteria (2023). Collection method: clinical testing. Allele origin: unknown.
Comment: This variant is considered likely benign. Homozygosity for this variant has been confirmed in one or more individuals lacking clinical features consistent with gene-specific recessive disease, indicating that this variant is unlikely to be pathogenic.

Ambry Genetics
Classification: Likely benign for Hereditary cancer-predisposing syndrome. Last evaluated: 2018-12-07. Review status: criteria provided, single submitter. Criteria: Ambry Variant Classification Scheme 2023. Collection method: clinical testing. Allele origin: germline.

PreventionGenetics, part of Exact Sciences
Classification: Uncertain significance for PALB2-related condition. Last evaluated: 2024-01-22. Review status: no assertion criteria provided. Collection method: clinical testing. Allele origin: germline. Not counted in ClinVar's aggregate classification.
Comment: The PALB2 c.2066C>T variant is predicted to result in the amino acid substitution p.Ser689Leu. This variant has been reported in cases and controls from a female breast cancer cohort and was interpreted as uncertain significance (Momozawa et al. 2018. PubMed ID: 30287823, Supp. Data 1). It has also been seen in a single patient with breast cancer (George et al 2021. PubMed ID: 33646313, eTable 3). This variant is reported in 0.00088% of alleles in individuals of European (Non-Finnish) descent in gnomAD. In ClinVar, this variant has conflicting interpretations of likely benign and uncertain significance. At this time, the clinical significance of this variant is uncertain due to the absence of conclusive functional and genetic evidence.

Leiden Open Variation Database
Classification: Uncertain significance. Last evaluated: 2018-10-10. Review status: no assertion criteria provided. Collection method: curation. Allele origin: germline. Affected: yes. Not counted in ClinVar's aggregate classification.
Comment: Curators: Marc Tischkowitz, Arleen D. Auerbach. Submitter to LOVD: Yukihide Momozawa.

Literature cited by the submitters: PubMed 26110843 (cited by Labcorp Genetics (formerly Invitae), Labcorp); PubMed 30287823 (cited by 3 submitters); PubMed 33646313 (cited by Labcorp Genetics (formerly Invitae), Labcorp and Color Diagnostics, LLC DBA Color Health); PubMed 33471991 (cited by Color Diagnostics, LLC DBA Color Health); PubMed 34299313 (cited by Color Diagnostics, LLC DBA Color Health).